The following is an entry in ClinVar:

ClinVar aggregate classification (germline): Uncertain significance (1 of 4 stars; one submission).

Submission:

CeGaT Center for Human Genetics Tuebingen
Classification: Uncertain significance. Last evaluated: 2024-11-01. Review status: criteria provided, single submitter. Criteria: CeGaT Center For Human Genetics Tuebingen Variant Classification Criteria Version 2. Collection method: clinical testing. Allele origin: germline. Affected: yes. Observed: 1 variant allele.
Comment: FSIP2: PM2, BP4

NM_173651.4(FSIP2):c.12175G>C (p.Glu4059Gln)

Gene: FSIP2 (fibrous sheath interacting protein 2; plus strand). Cytogenetic location: 2q32.1.
Variant type: single nucleotide variant.
Coding change: c.12175G>C on transcript NM_173651.4 (MANE Select); coding-DNA position 12175, G replaced by C.
Protein change: p.Glu4059Gln; replaces glutamic acid 4059 with glutamine.
Molecular consequence: missense variant.
Genome position (GRCh38, 1-based): chr2:185,801,481, G>C. VCF-style: chr2-185801481-G-C. GRCh37 (hg19) VCF-style: chr2-186666208-G-C.
Other names: short protein forms E4059Q.
Identifiers: ClinVar variation 3390216 (VCV003390216.14).